The following is an entry in ClinVar:

NM_001243925.2(MAPKAPK3):c.535A>G (p.Lys179Glu)

Gene: MAPKAPK3 (MAPK activated protein kinase 3; plus strand). Cytogenetic location: 3p21.2.
Variant type: single nucleotide variant.
Coding change: c.535A>G on transcript NM_001243925.2 (MANE Select); coding-DNA position 535, A replaced by G.
Protein change: p.Lys179Glu; replaces lysine 179 with glutamic acid.
Molecular consequence: missense variant.
Genome position (GRCh38, 1-based): chr3:50,644,439, A>G. VCF-style: chr3-50644439-A-G. GRCh37 (hg19) VCF-style: chr3-50681870-A-G.
Other names: c.535A>G, p.Lys179Glu (NM_001243926.2, NM_004635.5); short protein forms K179E.
Identifiers: ClinVar variation 1063673 (VCV001063673.5), dbSNP rs2107600265, ClinGen allele CA352930155.
Genomic context (GRCh38, chr3:50,644,439, plus strand): 5'-CCAAACCAATGTTTTCTCTTTCTGGCCCAGCCTGAAAACCTACTCTACACATCTAAGGAG[A>G]AAGACGCAGTGCTTAAGCTCACCGATTTTGGCTTTGCTAAGGAGACCACCCAAAATGCCC-3'
Protein context (NP_001230854.1, residues 169-189): PENLLYTSKE[Lys179Glu]DAVLKLTDFG

ClinVar aggregate classification (germline): Uncertain significance (1 of 4 stars; one submission).

Allele frequency attached by ClinVar (database versions not stated): gnomAD exomes below 0.00001.
gnomAD v4.1: 2 of 1,614,148 alleles (0.00012%); highest among the groups gnomAD compares: South Asian, 0.0022%; no homozygotes.

Submission:

Labcorp Genetics (formerly Invitae), Labcorp
Classification: Uncertain significance. Last evaluated: 2022-07-12. Review status: criteria provided, single submitter. Criteria: Invitae Variant Classification Sherloc (09022015). Collection method: clinical testing. Allele origin: germline.
Comment: This sequence change replaces lysine, which is basic and polar, with glutamic acid, which is acidic and polar, at codon 179 of the MAPKAPK3 protein (p.Lys179Glu). In summary, the available evidence is currently insufficient to determine the role of this variant in disease. Therefore, it has been classified as a Variant of Uncertain Significance. Algorithms developed to predict the effect of missense changes on protein structure and function (SIFT, PolyPhen-2, Align-GVGD) all suggest that this variant is likely to be tolerated. ClinVar contains an entry for this variant (Variation ID: 1063673). This variant has not been reported in the literature in individuals affected with MAPKAPK3-related conditions. This variant is not present in population databases (gnomAD no frequency).